The following is an entry in ClinVar:

NM_005026.5(PIK3CD):c.1141A>T (p.Ile381Phe)

Genes: PIK3CD (phosphatidylinositol-4,5-bisphosphate 3-kinase catalytic subunit delta; plus strand), LOC126805612 (MED14-independent group 3 enhancer GRCh37_chr1:9778914-9780113; plus strand). Cytogenetic location: 1p36.22.
Variant type: single nucleotide variant.
Coding change: c.1141A>T on transcript NM_005026.5 (MANE Select); coding-DNA position 1141, A replaced by T.
Protein change: p.Ile381Phe; replaces isoleucine 381 with phenylalanine.
Molecular consequence: missense variant.
Genome position (GRCh38, 1-based): chr1:9,718,814, A>T. VCF-style: chr1-9718814-A-T. GRCh37 (hg19) VCF-style: chr1-9778872-A-T.
Other names: c.1141A>T, p.Ile381Phe (NM_001350234.2); c.1054A>T, p.Ile352Phe (NM_001350235.1); short protein forms I352F, I381F.
Identifiers: ClinVar variation 3623542 (VCV003623542.2).
Genomic context (GRCh38, chr1:9,718,814, plus strand): 5'-TCGGAGGTGAGCGTGTGCTCGGAGCCCGTGTGGAAGCAGCGGCTGGAGTTCGACATCAAC[A>T]TCTGCGACCTGCCCCGCATGGCCCGTCTCTGCTTTGCGCTGTACGCCGTGATCGAGAAAG-3'
Protein context (NP_005017.3, residues 371-391): WKQRLEFDIN[Ile381Phe]CDLPRMARLC

ClinVar aggregate classification (germline): Uncertain significance (1 of 4 stars; one submission).

Conditions:
Immunodeficiency 14 (IMD14A). Also called: IMMUNODEFICIENCY 14A WITH LYMPHOPROLIFERATION, AUTOSOMAL DOMINANT; p110-DELTA-ACTIVATING MUTATION CAUSING SENESCENT T CELLS, LYMPHADENOPATHY, AND IMMUNODEFICIENCY; ACTIVATED PI3K-DELTA SYNDROME 1; Activated PI3K Delta Syndrome Type 1 (APDS1). Identifiers: Orphanet 397596, Orphanet 693661, MedGen C5907821, MONDO:0014222, OMIM 615513.

Submission:

Labcorp Genetics (formerly Invitae), Labcorp
Classification: Uncertain significance for Activated PI3K-delta syndrome. Last evaluated: 2024-12-10. Review status: criteria provided, single submitter. Criteria: Invitae Variant Classification Sherloc (09022015). Collection method: clinical testing. Allele origin: germline.
Comment: This sequence change replaces isoleucine, which is neutral and non-polar, with phenylalanine, which is neutral and non-polar, at codon 381 of the PIK3CD protein (p.Ile381Phe). This variant is not present in population databases (gnomAD no frequency). This variant has not been reported in the literature in individuals affected with PIK3CD-related conditions. Invitae Evidence Modeling of protein sequence and biophysical properties (such as structural, functional, and spatial information, amino acid conservation, physicochemical variation, residue mobility, and thermodynamic stability) indicates that this missense variant is not expected to disrupt PIK3CD protein function with a negative predictive value of 80%. In summary, the available evidence is currently insufficient to determine the role of this variant in disease. Therefore, it has been classified as a Variant of Uncertain Significance.